The following is an entry in ClinVar:

ClinVar aggregate classification (germline): Uncertain significance. Review status: criteria provided, multiple submitters, no conflicts (2 of 4 stars). 5 submissions from 5 submitters: Uncertain significance (5). Last evaluated 2025-08-31.

Conditions:
Chuvash polycythemia. Also called: POLYCYTHEMIA, VHL-DEPENDENT. Identifiers: Orphanet 238557, MedGen C1837915, MONDO:0009892, OMIM 263400.
Von Hippel-Lindau syndrome (VHLS). Also called: Von Hippel-Lindau; VHL syndrome; von Hippel–Lindau syndrome. Identifiers: Orphanet 892, MedGen C0019562, MONDO:0008667, OMIM 193300. Disease mechanism: loss of function.
Hereditary cancer-predisposing syndrome. Also called: Neoplastic Syndromes, Hereditary; Tumor predisposition; Hereditary Cancer Syndrome; Hereditary neoplastic syndrome. Identifiers: Orphanet 140162, MedGen C0027672, MeSH D009386, MONDO:0015356.

Allele frequency attached by ClinVar (database versions not stated): TOPMed below 0.00001.

Submissions (5):

Labcorp Genetics (formerly Invitae), Labcorp
Classification: Uncertain significance for Von Hippel-Lindau syndrome; Chuvash polycythemia. Last evaluated: 2025-08-31. Review status: criteria provided, single submitter. Criteria: Invitae Variant Classification Sherloc (09022015). Collection method: clinical testing. Allele origin: germline.
Comment: This sequence change creates a premature translational stop signal (p.Glu17*) in the VHL gene. It is unclear whether it will result in an absent or disrupted protein product because an in-frame methionine located at codon 54 has the potential to rescue this variant. This variant is not present in population databases (gnomAD no frequency). This variant has not been reported in the literature in individuals affected with VHL-related conditions. ClinVar contains an entry for this variant (Variation ID: 546000). Several studies have shown that the VHL protein created from a downstream methionine located at codon 54 is biologically active, and exhibits properties similar to the full-length, wild-type protein (PMID: 9671762, 9751722). In summary, the available evidence is currently insufficient to determine the role of this variant in disease. Therefore, it has been classified as a Variant of Uncertain Significance.

Ambry Genetics
Classification: Uncertain significance for Hereditary cancer-predisposing syndrome. Last evaluated: 2024-09-17. Review status: criteria provided, single submitter. Criteria: Ambry Variant Classification Scheme 2023. Collection method: clinical testing. Allele origin: germline.
Comment: The p.E17* variant (also known as c.49G>T), located in coding exon 1 of the VHL gene, results from a G to T substitution at nucleotide position 49. This changes the amino acid from a glutamic acid to a stop codon within coding exon 1. Premature stop codons are typically deleterious in nature; however, an alternate initiation codon exists 37 amino acids downstream from this alteration, and is reported to result in a biologically active isoform known as VHL 19 (Iliopoulos O et al, Proc. Natl. Acad. Sci. U.S.A. 1998 Sep; 95(20):11661-6. Schoenfeld A et al, Proc. Natl. Acad. Sci. U.S.A. 1998 Jul; 95(15):8817-22). Based on the available evidence, the clinical significance of this variant remains unclear.

All of Us Research Program, National Institutes of Health
Classification: Uncertain significance for Von Hippel-Lindau syndrome. Last evaluated: 2024-03-05. Review status: criteria provided, single submitter. Criteria: ACMG Guidelines, 2015. Collection method: clinical testing. Allele origin: germline. Inheritance: Autosomal dominant inheritance. Observed: 1 variant allele, 1 heterozygote.
Comment: This study involves interpretation of variants in research participants for the purpose of population health screening. Participant phenotype was not available at the time of variant classification. Additional details can be found in publication PMID: 35346344, PMCID: PMC8962531

Blueprint Genetics
Classification: Uncertain significance. Last evaluated: 2021-11-08. Review status: criteria provided, single submitter. Criteria: ACMG Guidelines, 2015. Collection method: clinical testing. Allele origin: germline.

GeneDx
Classification: Uncertain significance. Last evaluated: 2020-03-11. Review status: criteria provided, single submitter. Criteria: GeneDx Variant Classification Process June 2021. Collection method: clinical testing. Allele origin: germline. Affected: yes.
Comment: Not observed in large population cohorts (Lek et al., 2016); Has not been previously published as pathogenic or benign to our knowledge

Literature cited by the submitters: PubMed 9671762 (cited by Labcorp Genetics (formerly Invitae), Labcorp and Ambry Genetics); PubMed 9751722 (cited by Labcorp Genetics (formerly Invitae), Labcorp and Ambry Genetics).

NM_000551.4(VHL):c.49G>T (p.Glu17Ter)

Gene: VHL (von Hippel-Lindau tumor suppressor; plus strand). Cytogenetic location: 3p25.3.
Variant type: single nucleotide variant.
Coding change: c.49G>T on transcript NM_000551.4 (MANE Select); coding-DNA position 49, G replaced by T.
Protein change: p.Glu17Ter; replaces glutamic acid 17 with a stop codon.
Molecular consequence: nonsense.
Genome position (GRCh38, 1-based): chr3:10,141,896, G>T. VCF-style: chr3-10141896-G-T. GRCh37 (hg19) VCF-style: chr3-10183580-G-T.
Other names: c.49G>T, p.Glu17Ter (NM_001354723.2, NM_198156.3); short protein forms E17*.
Identifiers: ClinVar variation 546000 (VCV000546000.18), dbSNP rs1028898216, ClinGen allele CA70042221.